The following is an entry in ClinVar:

ClinVar aggregate classification (germline): Uncertain significance. Review status: criteria provided, multiple submitters, no conflicts (2 of 4 stars). 2 submissions from 2 submitters: Uncertain significance (2). Last evaluated 2023-06-14.

Allele frequency attached by ClinVar (database versions not stated): gnomAD exomes 0.00001; TOPMed 0.00002; ExAC 0.00003; gnomAD 0.00004.
gnomAD v4.1: 18 of 1,606,906 alleles (0.0011%); highest among the groups gnomAD compares: Admixed American, 0.0017%; no homozygotes.

Submissions (2):

Labcorp Genetics (formerly Invitae), Labcorp
Classification: Uncertain significance. Last evaluated: 2023-06-14. Review status: criteria provided, single submitter. Criteria: Invitae Variant Classification Sherloc (09022015). Collection method: clinical testing. Allele origin: germline.
Comment: This variant is present in population databases (rs770249831, gnomAD 0.005%). This sequence change replaces arginine, which is basic and polar, with cysteine, which is neutral and slightly polar, at codon 30 of the GFAP protein (p.Arg30Cys). This variant has not been reported in the literature in individuals affected with GFAP-related conditions. In summary, the available evidence is currently insufficient to determine the role of this variant in disease. Therefore, it has been classified as a Variant of Uncertain Significance. Advanced modeling of protein sequence and biophysical properties (such as structural, functional, and spatial information, amino acid conservation, physicochemical variation, residue mobility, and thermodynamic stability) has been performed at Invitae for this missense variant, however the output from this modeling did not meet the statistical confidence thresholds required to predict the impact of this variant on GFAP protein function. ClinVar contains an entry for this variant (Variation ID: 2498708).

CeGaT Center for Human Genetics Tuebingen
Classification: Uncertain significance. Last evaluated: 2023-03-01. Review status: criteria provided, single submitter. Criteria: CeGaT Center For Human Genetics Tuebingen Variant Classification Criteria Version 2. Collection method: clinical testing. Allele origin: germline. Affected: yes. Observed: 1 variant allele.
Comment: GFAP: PS2, PP4, BP4

NM_002055.5(GFAP):c.88C>T (p.Arg30Cys)

Gene: GFAP (glial fibrillary acidic protein; minus strand). Cytogenetic location: 17q21.31.
Variant type: single nucleotide variant.
Coding change: c.88C>T on transcript NM_002055.5 (MANE Select); coding-DNA position 88, C replaced by T.
Protein change: p.Arg30Cys; replaces arginine 30 with cysteine.
Molecular consequence: missense variant.
Genome position (GRCh38, 1-based): chr17:44,915,399, G>A on the plus strand (C>T on the coding strand, the complement: GFAP is on the minus strand). VCF-style: chr17-44915399-G-A. GRCh37 (hg19) VCF-style: chr17-42992767-G-A.
Other names: c.88C>T, p.Arg30Cys (NM_001131019.3, NM_001242376.3, NM_001363846.2); short protein forms R30C.
Identifiers: ClinVar variation 2498708 (VCV002498708.31), dbSNP rs770249831, ClinGen allele CA8609110.